The following is an entry in ClinVar:

NM_015338.6(ASXL1):c.3359A>T (p.Lys1120Met)

Gene: ASXL1 (ASXL transcriptional regulator 1; plus strand). Cytogenetic location: 20q11.21.
Variant type: single nucleotide variant.
Coding change: c.3359A>T on transcript NM_015338.6 (MANE Select); coding-DNA position 3359, A replaced by T.
Protein change: p.Lys1120Met; replaces lysine 1120 with methionine.
Molecular consequence: missense variant.
Genome position (GRCh38, 1-based): chr20:32,436,071, A>T. VCF-style: chr20-32436071-A-T. GRCh37 (hg19) VCF-style: chr20-31023874-A-T.
Other names: c.3176A>T, p.Lys1059Met (NM_001363734.1); short protein forms K1059M, K1120M.
Identifiers: ClinVar variation 1191493 (VCV001191493.8), dbSNP rs778883995, ClinGen allele CA9808800.

ClinVar aggregate classification (germline): Conflicting classifications of pathogenicity. Review status: criteria provided, conflicting classifications (1 of 4 stars). 2 submissions from 2 submitters: Uncertain significance (1); Likely benign (1). Last evaluated 2025-12-18.

Allele frequency attached by ClinVar (database versions not stated): ExAC 0.00001; gnomAD exomes 0.00001 and 0.00002; gnomAD 0.00002; TOPMed 0.00004.
gnomAD v4.1: 19 of 1,614,050 alleles (0.0012%); highest among the groups gnomAD compares: Admixed American, 0.01%; no homozygotes.

Submissions (2):

Labcorp Genetics (formerly Invitae), Labcorp
Classification: Uncertain significance. Last evaluated: 2025-12-18. Review status: criteria provided, single submitter. Criteria: Invitae Variant Classification Sherloc (09022015). Collection method: clinical testing. Allele origin: germline.
Comment: This sequence change replaces lysine, which is basic and polar, with methionine, which is neutral and non-polar, at codon 1120 of the ASXL1 protein (p.Lys1120Met). This variant is present in population databases (rs778883995, gnomAD 0.01%). This variant has not been reported in the literature in individuals affected with ASXL1-related conditions. ClinVar contains an entry for this variant (Variation ID: 1191493). An algorithm developed to predict the effect of missense changes on protein structure and function (PolyPhen-2) suggests that this variant is likely to be disruptive. In summary, the available evidence is currently insufficient to determine the role of this variant in disease. Therefore, it has been classified as a Variant of Uncertain Significance.

GeneDx
Classification: Likely benign. Last evaluated: 2020-10-07. Review status: criteria provided, single submitter. Criteria: GeneDx Variant Classification Process June 2021. Collection method: clinical testing. Allele origin: germline. Affected: yes.
Comment: In silico analysis supports that this missense variant has a deleterious effect on protein structure/function; Missense variant in a gene in which most reported pathogenic variants are truncating/loss-of-function; Has not been previously published as pathogenic or benign to our knowledge